The following is an entry in ClinVar:

NM_020937.4(FANCM):c.2345A>C (p.Glu782Ala)

Gene: FANCM (FA complementation group M; plus strand). Cytogenetic location: 14q21.2.
Variant type: single nucleotide variant.
Coding change: c.2345A>C on transcript NM_020937.4 (MANE Select); coding-DNA position 2345, A replaced by C.
Protein change: p.Glu782Ala; replaces glutamic acid 782 with alanine.
Molecular consequence: missense variant.
Genome position (GRCh38, 1-based): chr14:45,175,099, A>C. VCF-style: chr14-45175099-A-C. GRCh37 (hg19) VCF-style: chr14-45644302-A-C.
Other names: c.2267A>C, p.Glu756Ala (NM_001308133.2); short protein forms E756A, E782A.
Identifiers: ClinVar variation 5021482 (VCV005021482.1).

ClinVar aggregate classification (germline): Uncertain significance (1 of 4 stars; one submission).

Conditions:
Inborn genetic diseases. Identifiers: MedGen C0950123, MeSH D030342.

Submission:

Ambry Genetics
Classification: Uncertain significance for Inborn genetic diseases. Last evaluated: 2026-08-08. Review status: criteria provided, single submitter. Criteria: Ambry Variant Classification Scheme 2023. Collection method: clinical testing. Allele origin: germline.
Comment: The p.E782A variant (also known as c.2345A>C), located in coding exon 14 of the FANCM gene, results from an A to C substitution at nucleotide position 2345. The glutamic acid at codon 782 is replaced by alanine, an amino acid with dissimilar properties. This amino acid position is conserved. In addition, this alteration is predicted to be tolerated by in silico analysis. Based on the available evidence, the clinical significance of this variant remains unclear.